The following is an entry in ClinVar:

NM_002439.5(MSH3):c.1778G>C (p.Arg593Pro)

Gene: MSH3 (mutS homolog 3; plus strand). Cytogenetic location: 5q14.1.
Variant type: single nucleotide variant.
Coding change: c.1778G>C on transcript NM_002439.5 (MANE Select); coding-DNA position 1778, G replaced by C.
Protein change: p.Arg593Pro; replaces arginine 593 with proline.
Molecular consequence: missense variant.
Genome position (GRCh38, 1-based): chr5:80,761,560, G>C. VCF-style: chr5-80761560-G-C. GRCh37 (hg19) VCF-style: chr5-80057379-G-C.
Other names: short protein forms R593P.
Identifiers: ClinVar variation 1517268 (VCV001517268.6), dbSNP rs764832633, ClinGen allele CA360276497.

ClinVar aggregate classification (germline): Uncertain significance (1 of 4 stars; one submission).

Submission:

Labcorp Genetics (formerly Invitae), Labcorp
Classification: Uncertain significance. Last evaluated: 2021-09-04. Review status: criteria provided, single submitter. Criteria: Invitae Variant Classification Sherloc (09022015). Collection method: clinical testing. Allele origin: germline.
Comment: In summary, the available evidence is currently insufficient to determine the role of this variant in disease. Therefore, it has been classified as a Variant of Uncertain Significance. Algorithms developed to predict the effect of missense changes on protein structure and function are either unavailable or do not agree on the potential impact of this missense change (SIFT: "Deleterious"; PolyPhen-2: "Probably Damaging"; Align-GVGD: "Class C0"). This variant has not been reported in the literature in individuals affected with MSH3-related conditions. This variant is not present in population databases (ExAC no frequency). This sequence change replaces arginine with proline at codon 593 of the MSH3 protein (p.Arg593Pro). The arginine residue is highly conserved and there is a moderate physicochemical difference between arginine and proline.